The following is an entry in ClinVar:

ClinVar aggregate classification (germline): Likely pathogenic (1 of 4 stars; one submission).

Submission:

Genetic Services Laboratory, University of Chicago
Classification: Likely pathogenic. Last evaluated: 2021-10-15. Review status: criteria provided, single submitter. Criteria: ACMG Guidelines, 2015. Collection method: clinical testing. Allele origin: germline. Affected: yes.
Comment: This likely pathogenic sequence change results in an amino acid frameshift and creates a premature stop codon 156 amino acids downstream of the change, p.Gln773Serfs*157. This sequence change is predicted to result in an abnormal transcript, which may be degraded, or may lead to the production of a truncated KMT2D protein with potentially abnormal function. The c.2317del sequence change has not been described in the population databases such as ExAC and gnomAD. While this sequence change has not previously been described in the literature, other loss of function variants in the KMT2D gene have been described in several individuals with Kabuki syndrome (PMIDs: 21280141, 23913813, 21671394).

NM_003482.4(KMT2D):c.2317del (p.Gln773fs)

Gene: KMT2D (lysine methyltransferase 2D; minus strand). Cytogenetic location: 12q13.12.
Variant type: Deletion.
Coding change: c.2317del on transcript NM_003482.4 (MANE Select); coding-DNA position 2317, one base deleted (C; older notation c.2317delC).
Protein change: p.Gln773fs; shifts the reading frame from glutamine 773.
Molecular consequence: frameshift variant.
Genome position (GRCh38, 1-based): chr12:49,051,366, G deleted on the plus strand (C on the coding strand, the reverse complement: KMT2D is on the minus strand); the first of 6 consecutive G bases (chr12:49,051,366-49,051,371); deleting any one gives the same sequence. VCF-style (leftmost placement, unchanged base first): chr12-49051365-TG-T. GRCh37 (hg19) VCF-style: chr12-49445148-TG-T.
Other names: short protein forms Q773fs.
Identifiers: ClinVar variation 1338665 (VCV001338665.4), dbSNP rs1565817210, ClinGen allele CA2573053692.
Genomic context (GRCh38, chr12:49,051,365, plus strand): 5'-TCAGCCTGGGGGGACAAGTGTGGCTCCTCAGGCACAGCGCATAGGCATGGCTCCTCAGGC[TG>T]GGGGGACAGGTGTGGCTCCTCAGCCTGCGGAGATAGGTGTGGCTCCTCAGGCCGGGGGGA-3'